The following is an entry in ClinVar:

NM_000038.6(APC):c.1369T>A (p.Ser457Thr)

Gene: APC (APC regulator of Wnt signaling pathway; plus strand). Cytogenetic location: 5q22.2.
Variant type: single nucleotide variant.
Coding change: c.1369T>A on transcript NM_000038.6 (MANE Select); coding-DNA position 1369, T replaced by A.
Protein change: p.Ser457Thr; replaces serine 457 with threonine.
Molecular consequence: missense variant. On other transcripts: non-coding transcript variant (2).
Genome position (GRCh38, 1-based): chr5:112,821,952, T>A. VCF-style: chr5-112821952-T-A. GRCh37 (hg19) VCF-style: chr5-112157649-T-A.
Other names: c.1369T>A, p.Ser457Thr (NM_001127510.3, NM_001354895.2, NM_001354896.2 and 4 more transcripts); c.1315T>A, p.Ser439Thr (NM_001127511.3); c.1399T>A, p.Ser467Thr (NM_001354897.2, NM_001407446.1); c.1294T>A, p.Ser432Thr (NM_001354898.2, NM_001407451.1); c.1285T>A, p.Ser429Thr (NM_001354899.2, NM_001407452.1); c.1192T>A, p.Ser398Thr (NM_001354900.2, NM_001354901.2, NM_001407453.1); c.1096T>A, p.Ser366Thr (NM_001354902.2); c.1066T>A, p.Ser356Thr (NM_001354903.2, NM_001407454.1, NM_001407455.1 and 5 more transcripts); and 5 more; short protein forms S297T, S331T, S366T, S429T, S73T, S398T, S432T, S457T.
Identifiers: ClinVar variation 5025153 (VCV005025153.1).
Genomic context (GRCh38, chr5:112,821,952, plus strand): 5'-TCAGTGCCAGCTCCTGTTGAACATCAGATCTGTCCTGCTGTGTGTGTTCTAATGAAACTT[T>A]CATTTGATGAAGAGCATAGACATGCAATGAATGAACTAGGTAAGACAAAAATGTTTTTTA-3'
Protein context (NP_000029.2, residues 447-467): CPAVCVLMKL[Ser457Thr]FDEEHRHAMN

ClinVar aggregate classification (germline): Uncertain significance (1 of 4 stars; one submission).

Conditions:
Hereditary cancer-predisposing syndrome. Also called: Neoplastic Syndromes, Hereditary; Tumor predisposition; Hereditary neoplastic syndrome; Hereditary Cancer Syndrome. Identifiers: Orphanet 140162, MedGen C0027672, MeSH D009386, MONDO:0015356.

Submission:

Ambry Genetics
Classification: Uncertain significance for Hereditary cancer-predisposing syndrome. Last evaluated: 2026-07-07. Review status: criteria provided, single submitter. Criteria: Ambry Variant Classification Scheme 2023. Collection method: clinical testing. Allele origin: germline.
Comment: The p.S457T variant (also known as c.1369T>A), located in coding exon 10 of the APC gene, results from a T to A substitution at nucleotide position 1369. The serine at codon 457 is replaced by threonine, an amino acid with similar properties. This amino acid position is conserved. In addition, in silico predictors for this gene do not accurately predict pathogenicity. Based on the available evidence, the clinical significance of this variant remains unclear.